The following is an entry in ClinVar:

NM_033337.3(CAV3):c.140A>G (p.Glu47Gly)

Genes: CAV3 (caveolin 3; plus strand), OXTR (oxytocin receptor; minus strand). Cytogenetic location: 3p25.3.
Variant type: single nucleotide variant.
Coding change: c.140A>G on transcript NM_033337.3 (MANE Select); coding-DNA position 140, A replaced by G.
Protein change: p.Glu47Gly; replaces glutamic acid 47 with glycine.
Molecular consequence: missense variant.
Genome position (GRCh38, 1-based): chr3:8,745,551, A>G. VCF-style: chr3-8745551-A-G. GRCh37 (hg19) VCF-style: chr3-8787237-A-G.
Other names: c.140A>G, p.Glu47Gly (NM_001234.5); short protein forms E47G.
Identifiers: ClinVar variation 2011121 (VCV002011121.4), dbSNP rs199476327, ClinGen allele CA351663160.

ClinVar aggregate classification (germline): Uncertain significance (1 of 4 stars; one submission).

Conditions:
Long QT syndrome (LQTS). Identifiers: MedGen C0023976, MeSH D008133, MONDO:0002442. Disease mechanism: loss of function. Inheritance: Various modes of inheritance.

Submission:

Labcorp Genetics (formerly Invitae), Labcorp
Classification: Uncertain significance for Long QT syndrome. Last evaluated: 2025-10-02. Review status: criteria provided, single submitter. Criteria: Invitae Variant Classification Sherloc (09022015). Collection method: clinical testing. Allele origin: germline.
Comment: This sequence change replaces glutamic acid, which is acidic and polar, with glycine, which is neutral and non-polar, at codon 47 of the CAV3 protein (p.Glu47Gly). This variant is not present in population databases (gnomAD no frequency). This variant has not been reported in the literature in individuals affected with CAV3-related conditions. ClinVar contains an entry for this variant (Variation ID: 2011121). An algorithm developed to predict the effect of missense changes on protein structure and function (PolyPhen-2) suggests that this variant is likely to be disruptive. This variant disrupts the p.Glu47 amino acid residue in CAV3. Other variant(s) that disrupt this residue have been observed in individuals with CAV3-related conditions (PMID: 17405141, 18583131, 30174172), which suggests that this may be a clinically significant amino acid residue. In summary, the available evidence is currently insufficient to determine the role of this variant in disease. Therefore, it has been classified as a Variant of Uncertain Significance.

Literature cited by the submitters: PubMed 17405141; PubMed 18583131; PubMed 30174172.